The following is an entry in ClinVar:

ClinVar aggregate classification (germline): Uncertain significance (1 of 4 stars; one submission).

Conditions:
Immunodeficiency. Identifiers: MedGen C0021051, MONDO:0021094, HP:0002721.

Submission:

Labcorp Genetics (formerly Invitae), Labcorp
Classification: Uncertain significance for Immunodeficiency. Last evaluated: 2024-10-18. Review status: criteria provided, single submitter. Criteria: Invitae Variant Classification Sherloc (09022015). Collection method: clinical testing. Allele origin: germline.
Comment: This sequence change replaces proline, which is neutral and non-polar, with serine, which is neutral and polar, at codon 901 of the NFAT5 protein (p.Pro901Ser). This variant is not present in population databases (gnomAD no frequency). This variant has not been reported in the literature in individuals affected with NFAT5-related conditions. ClinVar contains an entry for this variant (Variation ID: 1377322). An algorithm developed to predict the effect of missense changes on protein structure and function outputs the following: PolyPhen-2: "Benign". The serine amino acid residue is found in multiple mammalian species, which suggests that this missense change does not adversely affect protein function. In summary, the available evidence is currently insufficient to determine the role of this variant in disease. Therefore, it has been classified as a Variant of Uncertain Significance.

NM_138713.4(NFAT5):c.2983C>T (p.Pro995Ser)

Gene: NFAT5 (nuclear factor of activated T cells 5; plus strand). Cytogenetic location: 16q22.1.
Variant type: single nucleotide variant.
Coding change: c.2983C>T on transcript NM_138713.4 (MANE Select); coding-DNA position 2983, C replaced by T.
Protein change: p.Pro995Ser; replaces proline 995 with serine.
Molecular consequence: missense variant.
Genome position (GRCh38, 1-based): chr16:69,692,808, C>T. VCF-style: chr16-69692808-C-T. GRCh37 (hg19) VCF-style: chr16-69726711-C-T.
Other names: c.2980C>T, p.Pro994Ser (NM_001113178.3); c.2308C>T, p.Pro770Ser (NM_001367709.1); c.2929C>T, p.Pro977Ser (NM_006599.4); c.2701C>T, p.Pro901Ser (NM_138714.4, NM_173214.3, NM_173215.3); short protein forms P977S, P994S, P995S, P770S, P901S.
Identifiers: ClinVar variation 1377322 (VCV001377322.6), dbSNP rs112392728, ClinGen allele CA283373798.